The following is an entry in ClinVar:

ClinVar aggregate classification (germline): Uncertain significance (1 of 4 stars; one submission).

Conditions:
Hereditary cancer-predisposing syndrome. Also called: Hereditary neoplastic syndrome; Neoplastic Syndromes, Hereditary; Tumor predisposition; Hereditary Cancer Syndrome. Identifiers: Orphanet 140162, MedGen C0027672, MeSH D009386, MONDO:0015356.

gnomAD v4.1: 1 of 1,614,152 alleles (0.000062%); highest among the groups gnomAD compares: Non-Finnish European, 0.000085%; no homozygotes.

Submission:

Ambry Genetics
Classification: Uncertain significance for Hereditary cancer-predisposing syndrome. Last evaluated: 2025-08-27. Review status: criteria provided, single submitter. Criteria: Ambry Variant Classification Scheme 2023. Collection method: clinical testing. Allele origin: germline.
Comment: The p.K28N variant (also known as c.84G>T), located in coding exon 2 of the MUTYH gene, results from a G to T substitution at nucleotide position 84. The lysine at codon 28 is replaced by asparagine, an amino acid with similar properties. This amino acid position is conserved. In addition, this alteration is predicted to be tolerated by in silico analysis. Based on the available evidence, the clinical significance of this variant remains unclear.

NM_001048174.2(MUTYH):c.42G>T (p.Lys14Asn)

Gene: MUTYH (mutY DNA glycosylase; minus strand). Cytogenetic location: 1p34.1.
Variant type: single nucleotide variant.
Coding change: c.42G>T on transcript NM_001048174.2 (MANE Select); coding-DNA position 42, G replaced by T.
Protein change: p.Lys14Asn; replaces lysine 14 with asparagine.
Molecular consequence: missense variant. On other transcripts: 5 prime UTR variant (7), non-coding transcript variant (7).
Genome position (GRCh38, 1-based): chr1:45,334,464, C>A on the plus strand (G>T on the coding strand, the complement: MUTYH is on the minus strand). VCF-style: chr1-45334464-C-A. GRCh37 (hg19) VCF-style: chr1-45800136-C-A.
Other names: c.42G>T, p.Lys14Asn (NM_001048171.2, NM_001048172.2, NM_001048173.2 and 15 more transcripts); c.84G>T, p.Lys28Asn (NM_001128425.2, NM_001293190.2, NM_001407069.1 and 2 more transcripts); c.-171G>T (NM_001293192.2, NM_001293196.2, NM_001407091.1); c.-230G>T (NM_001350650.2); c.-166G>T (NM_001350651.2, NM_001407082.1); c.-115G>T (NM_001407075.1); c.60G>T, p.Lys20Asn (NM_001407087.1); short protein forms K20N, K14N, K28N.
Identifiers: ClinVar variation 4113864 (VCV004113864.1).